The following is an entry in ClinVar:

ClinVar aggregate classification (germline): Conflicting classifications of pathogenicity. Review status: criteria provided, conflicting classifications (1 of 4 stars). 3 submissions from 3 submitters: Likely pathogenic (2); Uncertain significance (1). Last evaluated 2025-07-02.

Conditions:
Congenital myotonia, autosomal recessive form. Also called: Becker Generalized Myotonia; BECKER DISEASE; myotonia congenita, autosomal recessive. Identifiers: Orphanet 614, MedGen C0751360, MONDO:0009715, OMIM 255700.
Congenital myotonia, autosomal dominant form (THD). Also called: Myotonia congenita autosomal dominant; THOMSEN DISEASE. Identifiers: Orphanet 614, MedGen C2936781, MONDO:0008055, OMIM 160800.

Submissions (3):

GeneDx
Classification: Likely pathogenic. Last evaluated: 2025-07-02. Review status: criteria provided, single submitter. Criteria: GeneDx Variant Classification Process June 2021. Collection method: clinical testing. Allele origin: germline.
Comment: Reported previously in association with myotonia congenita; some of these patients also harbored additional CLCN1 variants, although phase was unknown (PMID: 22109722, 23810313, 34529042); Published functional studies using Xenopus oocytes showed that this variant had reduced current amplitude and displayed recessive functional features (PMID: 34529042); In silico analysis supports that this missense variant has a deleterious effect on protein structure/function; Not observed at significant frequency in large population cohorts (gnomAD); This variant is associated with the following publications: (PMID: 23933576, 27066513, 23810313, 34529042, 22109722)

Blueprint Genetics
Classification: Uncertain significance. Last evaluated: 2024-10-30. Review status: criteria provided, single submitter. Criteria: ACMG Guidelines, 2015. Collection method: clinical testing. Allele origin: germline.

Labcorp Genetics (formerly Invitae), Labcorp
Classification: Likely pathogenic for Congenital myotonia, autosomal recessive form; Congenital myotonia, autosomal dominant form. Last evaluated: 2023-11-27. Review status: criteria provided, single submitter. Criteria: Invitae Variant Classification Sherloc (09022015). Collection method: clinical testing. Allele origin: germline.
Comment: This sequence change replaces proline, which is neutral and non-polar, with serine, which is neutral and polar, at codon 558 of the CLCN1 protein (p.Pro558Ser). This variant is not present in population databases (gnomAD no frequency). This missense change has been observed in individuals with autosomal recessive myotonia congenita (PMID: 23933576, 34529042). ClinVar contains an entry for this variant (Variation ID: 665000). Advanced modeling of protein sequence and biophysical properties (such as structural, functional, and spatial information, amino acid conservation, physicochemical variation, residue mobility, and thermodynamic stability) performed at Invitae indicates that this missense variant is expected to disrupt CLCN1 protein function with a positive predictive value of 95%. Experimental studies have shown that this missense change affects CLCN1 function (PMID: 23933576). In summary, the currently available evidence indicates that the variant is pathogenic, but additional data are needed to prove that conclusively. Therefore, this variant has been classified as Likely Pathogenic.

Literature cited by the submitters: PubMed 23933576 (cited by Labcorp Genetics (formerly Invitae), Labcorp); PubMed 34529042 (cited by Labcorp Genetics (formerly Invitae), Labcorp).

NM_000083.3(CLCN1):c.1672C>T (p.Pro558Ser)

Gene: CLCN1 (chloride voltage-gated channel 1; plus strand). Cytogenetic location: 7q34.
Variant type: single nucleotide variant.
Coding change: c.1672C>T on transcript NM_000083.3 (MANE Select); coding-DNA position 1672, C replaced by T.
Protein change: p.Pro558Ser; replaces proline 558 with serine.
Molecular consequence: missense variant. On other transcripts: non-coding transcript variant (1).
Genome position (GRCh38, 1-based): chr7:143,342,018, C>T. VCF-style: chr7-143342018-C-T. GRCh37 (hg19) VCF-style: chr7-143039111-C-T.
Other names: short protein forms P558S.
Identifiers: ClinVar variation 665000 (VCV000665000.11), dbSNP rs1586510615, ClinGen allele CA369646526.